The following is an entry in ClinVar:

NM_001378615.1(CC2D2A):c.1537T>G (p.Trp513Gly)

Genes: CC2D2A (coiled-coil and C2 domain containing 2A; plus strand), FBXL5 (F-box and leucine rich repeat protein 5; minus strand). Cytogenetic location: 4p15.32.
Variant type: single nucleotide variant.
Coding change: c.1537T>G on transcript NM_001378615.1 (MANE Select); coding-DNA position 1537, T replaced by G.
Protein change: p.Trp513Gly; replaces tryptophan 513 with glycine.
Molecular consequence: missense variant.
Genome position (GRCh38, 1-based): chr4:15,533,263, T>G. VCF-style: chr4-15533263-T-G. GRCh37 (hg19) VCF-style: chr4-15534886-T-G.
Other names: c.1537T>G, p.Trp513Gly (NM_001080522.2); c.1390T>G, p.Trp464Gly (NM_001378617.1); short protein forms W464G, W513G.
Identifiers: ClinVar variation 4688220 (VCV004688220.1).
Genomic context (GRCh38, chr4:15,533,263, plus strand): 5'-AAATTCCGTGATGCTGAACAAGAAAAAGATAGAACATTGCTTAAGACTATCATAAAAGTT[T>G]GGAAAGAGATGAAATCCCTTCGAGAGTTCCAGAGATTTACAAATACTCCCTTGAAACTTG-3'
Protein context (NP_001365544.1, residues 503-523): RTLLKTIIKV[Trp513Gly]KEMKSLREFQ

ClinVar aggregate classification (germline): Uncertain significance (1 of 4 stars; one submission).

Submission:

Women's Health and Genetics/Laboratory Corporation of America, LabCorp
Classification: Uncertain significance. Last evaluated: 2025-12-18. Review status: criteria provided, single submitter. Criteria: LabCorp Variant Classification Summary - May 2015. Collection method: clinical testing. Allele origin: germline.
Comment: Variant summary: CC2D2A c.1537T>G (p.Trp513Gly) results in a non-conservative amino acid change in the encoded protein sequence. Algorithms developed to predict the effect of missense changes on protein structure and function all suggest that this variant is likely to be disruptive. The variant was absent in 235290 control chromosomes. The available data on variant occurrences in the general population are insufficient to allow any conclusion about variant significance. To our knowledge, no occurrence of c.1537T>G in individuals affected with CC2D2A-related conditions and no experimental evidence demonstrating its impact on protein function have been reported. No submitters have cited clinical-significance assessments for this variant to ClinVar. Based on the evidence outlined above, the variant was classified as uncertain significance.